The following is an entry in ClinVar:

NM_002181.4(IHH):c.797dup (p.Arg267fs)

Gene: IHH (Indian hedgehog signaling molecule; minus strand). Cytogenetic location: 2q35.
Variant type: Duplication.
Coding change: c.797dup on transcript NM_002181.4 (MANE Select); coding-DNA position 797, one base duplicated (C; older notation c.797dupC).
Protein change: p.Arg267fs; shifts the reading frame from arginine 267.
Molecular consequence: frameshift variant.
Genome position (GRCh38, 1-based): chr2:219,055,646, G duplicated on the plus strand (C on the coding strand, the reverse complement: IHH is on the minus strand); the first of 6 consecutive G bases (chr2:219,055,646-219,055,651); duplicating any one gives the same sequence. VCF-style (leftmost placement, unchanged base first): chr2-219055645-T-TG. GRCh37 (hg19) VCF-style: chr2-219920367-T-TG.
Other names: short protein forms R267fs.
Identifiers: ClinVar variation 3341146 (VCV003341146.2).

ClinVar aggregate classification (germline): Pathogenic. Review status: criteria provided, single submitter (1 of 4 stars). 2 submissions from 2 submitters: Pathogenic (1). 1 of the submissions does not count toward it. Last evaluated 2025-05-26.

Conditions:
Brachydactyly type A1. Also called: FARABEE-TYPE BRACHYDACTYLY; SHORT STATURE WITH NONSPECIFIC SKELETAL ABNORMALITIES 2. Identifiers: Orphanet 93388, MedGen C1862151, MONDO:0007215, OMIM 112500, HP:0009371.

Submissions (2):

Labcorp Genetics (formerly Invitae), Labcorp
Classification: Pathogenic. Last evaluated: 2025-05-26. Review status: criteria provided, single submitter. Criteria: Invitae Variant Classification Sherloc (09022015). Collection method: clinical testing. Allele origin: germline.
Comment: This sequence change creates a premature translational stop signal (p.Arg267Thrfs*15) in the IHH gene. While this is not anticipated to result in nonsense mediated decay, it is expected to disrupt the last 145 amino acid(s) of the IHH protein. This variant is not present in population databases (gnomAD no frequency). This premature translational stop signal has been observed in individual(s) with clinical features of autosomal dominant IHH-related conditions (PMID: 29155992). ClinVar contains an entry for this variant (Variation ID: 3341146). This variant disrupts a region of the IHH protein in which other variant(s) (p.Val317Met) have been determined to be pathogenic (PMID: 29155992, 32311039; internal data). This suggests that this is a clinically significant region of the protein, and that variants that disrupt it are likely to be disease-causing. For these reasons, this variant has been classified as Pathogenic.

OMIM
Classification: Pathogenic for BRACHYDACTYLY, TYPE A1. Last evaluated: 2024-09-26. Review status: no assertion criteria provided. Collection method: literature only. Allele origin: germline. Not counted in ClinVar's aggregate classification.

Literature cited by the submitters: PubMed 29155992 (cited by Labcorp Genetics (formerly Invitae), Labcorp and OMIM); PubMed 32311039 (cited by Labcorp Genetics (formerly Invitae), Labcorp).